The following is an entry in ClinVar:

NM_001378.3(DYNC1I2):c.1726G>T (p.Val576Leu)

Gene: DYNC1I2 (dynein cytoplasmic 1 intermediate chain 2; plus strand). Cytogenetic location: 2q31.1.
Variant type: single nucleotide variant.
Coding change: c.1726G>T on transcript NM_001378.3 (MANE Select); coding-DNA position 1726, G replaced by T.
Protein change: p.Val576Leu; replaces valine 576 with leucine.
Molecular consequence: missense variant.
Genome position (GRCh38, 1-based): chr2:171,745,850, G>T. VCF-style: chr2-171745850-G-T. GRCh37 (hg19) VCF-style: chr2-172602360-G-T.
Other names: c.1726G>T (NM_001378.1); c.1726G>T, p.Val576Leu (NM_001271785.2); c.1702G>T, p.Val568Leu (NM_001271786.2, NM_001271787.2); c.1648G>T, p.Val550Leu (NM_001271788.2, NM_001271789.2, NM_001271790.2 and 1 more transcripts); c.1708G>T, p.Val570Leu (NM_001320882.2, NM_001320883.2, NM_001378455.1 and 1 more transcripts); short protein forms V550L, V568L, V570L, V576L.
Identifiers: ClinVar variation 3392753 (VCV003392753.2).

ClinVar aggregate classification (germline): Uncertain significance. Review status: criteria provided, multiple submitters, no conflicts (2 of 4 stars). 2 submissions from 2 submitters: Uncertain significance (2). Last evaluated 2025-08-05.

gnomAD v4.1: 40 of 1,613,874 alleles (0.0025%); highest among the groups gnomAD compares: Admixed American, 0.05%; no homozygotes.

Submissions (2):

Ambry Genetics
Classification: Uncertain significance. Last evaluated: 2025-08-05. Review status: criteria provided, single submitter. Criteria: Ambry Variant Classification Scheme 2023. Collection method: clinical testing. Allele origin: germline.

GeneDx
Classification: Uncertain significance. Last evaluated: 2024-06-26. Review status: criteria provided, single submitter. Criteria: GeneDx Variant Classification Process June 2021. Collection method: clinical testing. Allele origin: germline. Affected: yes.
Comment: In silico analysis indicates that this missense variant does not alter protein structure/function; Has not been previously published as pathogenic or benign to our knowledge